The following is an entry in ClinVar:

ClinVar aggregate classification (germline): Uncertain significance (1 of 4 stars; one submission).

Conditions:
Hereditary sensory and autonomic neuropathy type 7. Also called: HSAN VII; Neuropathy, hereditary sensory and autonomic, type VII. Identifiers: Orphanet 391397, MedGen C3809882, MONDO:0014244, OMIM 615548.
Familial episodic pain syndrome with predominantly lower limb involvement. Also called: Episodic pain syndrome, familial, 3. Identifiers: Orphanet 391384, Orphanet 391392, MedGen C3809899, MONDO:0014247, OMIM 615552.

Submission:

Labcorp Genetics (formerly Invitae), Labcorp
Classification: Uncertain significance for Familial episodic pain syndrome with predominantly lower limb involvement; Hereditary sensory and autonomic neuropathy type 7. Last evaluated: 2022-01-26. Review status: criteria provided, single submitter. Criteria: Invitae Variant Classification Sherloc (09022015). Collection method: clinical testing. Allele origin: germline.
Comment: Algorithms developed to predict the effect of missense changes on protein structure and function (SIFT, PolyPhen-2, Align-GVGD) all suggest that this variant is likely to be disruptive. This variant has not been reported in the literature in individuals affected with SCN11A-related conditions. This variant is not present in population databases (gnomAD no frequency). This sequence change replaces arginine, which is basic and polar, with glycine, which is neutral and non-polar, at codon 1153 of the SCN11A protein (p.Arg1153Gly). In summary, the available evidence is currently insufficient to determine the role of this variant in disease. Therefore, it has been classified as a Variant of Uncertain Significance.

NM_001349253.2(SCN11A):c.3457A>G (p.Arg1153Gly)

Gene: SCN11A (sodium voltage-gated channel alpha subunit 11; minus strand). Cytogenetic location: 3p22.2.
Variant type: single nucleotide variant.
Coding change: c.3457A>G on transcript NM_001349253.2 (MANE Select); coding-DNA position 3457, A replaced by G.
Protein change: p.Arg1153Gly; replaces arginine 1153 with glycine.
Molecular consequence: missense variant.
Genome position (GRCh38, 1-based): chr3:38,872,231, T>C on the plus strand (A>G on the coding strand, the complement: SCN11A is on the minus strand). VCF-style: chr3-38872231-T-C. GRCh37 (hg19) VCF-style: chr3-38913722-T-C.
Other names: c.3457A>G, p.Arg1153Gly (NM_014139.3); short protein forms R1153G.
Identifiers: ClinVar variation 2089835 (VCV002089835.4), dbSNP rs2471032670, ClinGen allele CA352171324.